The following is an entry in ClinVar:

ClinVar aggregate classification (germline): Uncertain significance (1 of 4 stars; one submission).

Submission:

GeneDx
Classification: Uncertain significance. Last evaluated: 2025-05-27. Review status: criteria provided, single submitter. Criteria: GeneDx Variant Classification Process June 2021. Collection method: clinical testing. Allele origin: germline. Affected: yes.
Comment: Not observed at significant frequency in large population cohorts (gnomAD); In silico analysis suggests that this variant does not alter splicing; Has not been previously published as pathogenic or benign to our knowledge

NM_006914.4(RORB):c.1111+5G>C

Gene: RORB (RAR related orphan receptor B; plus strand). Cytogenetic location: 9q21.13.
Variant type: single nucleotide variant.
Coding change: c.1111+5G>C on transcript NM_006914.4 (MANE Select); 5 bases into the intron after coding-DNA position 1111, G replaced by C.
Molecular consequence: intron variant.
Genome position (GRCh38, 1-based): chr9:74,667,906, G>C. VCF-style: chr9-74667906-G-C. GRCh37 (hg19) VCF-style: chr9-77282822-G-C.
Other names: c.1144+5G>C (NM_001365023.1).
Identifiers: ClinVar variation 4532493 (VCV004532493.1).